The following is an entry in ClinVar:

NM_017654.4(SAMD9):c.2873A>G (p.Asp958Gly)

Gene: SAMD9 (sterile alpha motif domain containing 9; minus strand). Cytogenetic location: 7q21.2.
Variant type: single nucleotide variant.
Coding change: c.2873A>G on transcript NM_017654.4 (MANE Select); coding-DNA position 2873, A replaced by G.
Protein change: p.Asp958Gly; replaces aspartic acid 958 with glycine.
Molecular consequence: missense variant.
Genome position (GRCh38, 1-based): chr7:93,103,225, T>C on the plus strand (A>G on the coding strand, the complement: SAMD9 is on the minus strand). VCF-style: chr7-93103225-T-C. GRCh37 (hg19) VCF-style: chr7-92732538-T-C.
Other names: c.2873A>G, p.Asp958Gly (NM_001193307.2); short protein forms D958G.
Identifiers: ClinVar variation 3685362 (VCV003685362.2).
Genomic context (GRCh38, chr7:93,103,225, plus strand): 5'-TAGTTCCCACATTCGATGACCTCTGTTTTTATCAGAATTGTAGAGTAGGTGCCCATCTTG[T>C]CTTCAAATTTTTCTGTCCCCCAGAAAGCCTTCTTGTTTCCAATTCCTAAGAATTTTTCAC-3'
Protein context (NP_060124.2, residues 948-968): KAFWGTEKFE[Asp958Gly]KMGTYSTILI

ClinVar aggregate classification (germline): Uncertain significance (1 of 4 stars; one submission).

Submission:

Labcorp Genetics (formerly Invitae), Labcorp
Classification: Uncertain significance. Last evaluated: 2024-05-14. Review status: criteria provided, single submitter. Criteria: Invitae Variant Classification Sherloc (09022015). Collection method: clinical testing. Allele origin: germline.
Comment: This sequence change replaces aspartic acid, which is acidic and polar, with glycine, which is neutral and non-polar, at codon 958 of the SAMD9 protein (p.Asp958Gly). This variant is not present in population databases (gnomAD no frequency). This variant has not been reported in the literature in individuals affected with SAMD9-related conditions. Advanced modeling of protein sequence and biophysical properties (such as structural, functional, and spatial information, amino acid conservation, physicochemical variation, residue mobility, and thermodynamic stability) has been performed at Invitae for this missense variant, however the output from this modeling did not meet the statistical confidence thresholds required to predict the impact of this variant on SAMD9 protein function. In summary, the available evidence is currently insufficient to determine the role of this variant in disease. Therefore, it has been classified as a Variant of Uncertain Significance.